The following is an entry in ClinVar:

NM_001256021.2(TRDN):c.854T>C (p.Met285Thr)

Gene: TRDN (triadin; minus strand). Cytogenetic location: 6q22.31.
Variant type: single nucleotide variant.
Coding change: c.854T>C on transcript NM_001256021.2 (MANE Plus Clinical); coding-DNA position 854, T replaced by C.
Protein change: p.Met285Thr; replaces methionine 285 with threonine.
Molecular consequence: missense variant. On other transcripts: intron variant (3).
Genome position (GRCh38, 1-based): chr6:123,503,658, A>G on the plus strand (T>C on the coding strand, the complement: TRDN is on the minus strand). VCF-style: chr6-123503658-A-G. GRCh37 (hg19) VCF-style: chr6-123824803-A-G.
Other names: c.793+61T>C (NM_006073.4, NM_001251987.2, NM_001256020.2); short protein forms M285T.
Identifiers: ClinVar variation 505274 (VCV000505274.17), dbSNP rs572614305, ClinGen allele CA3984280.

ClinVar aggregate classification (germline): Likely benign. Review status: criteria provided, multiple submitters, no conflicts (2 of 4 stars). 6 submissions from 6 submitters: Likely benign (5). 1 of the submissions does not count toward it. Last evaluated 2026-04-03.

Conditions:
Cardiovascular phenotype. Identifiers: MedGen CN230736.
Catecholaminergic polymorphic ventricular tachycardia 5 (CARDAR). Also called: CARDIAC ARRHYTHMIA SYNDROME, WITH OR WITHOUT SKELETAL MUSCLE WEAKNESS; Ventricular tachycardia, catecholaminergic polymorphic, 5, with or without muscle weakness. Identifiers: Orphanet 3286, MedGen C3809536, MONDO:0014191, OMIM 615441.
TRDN-related disorder. Also called: TRDN-related condition.

Allele frequency attached by ClinVar (database versions not stated): gnomAD 0.00165 and 0.00177; TOPMed 0.00195; 1000 Genomes Project 0.00200; 1000 Genomes Project 30x 0.00203.
gnomAD v4.1: 535 of 1,606,380 alleles (0.033%); highest among the groups gnomAD compares: African/African-American, 0.61%; 2 homozygotes.

Submissions (6):

PreventionGenetics, part of Exact Sciences
Classification: Likely benign for TRDN-related condition. Last evaluated: 2026-04-03. Review status: criteria provided, single submitter. Criteria: ACMG Guidelines, 2015. Collection method: clinical testing. Allele origin: germline.
Comment: This variant is classified as likely benign based on ACMG/AMP sequence variant interpretation guidelines (Richards et al. 2015 PMID: 25741868, with internal and published modifications).

Blueprint Genetics
Classification: Likely benign. Last evaluated: 2024-08-28. Review status: criteria provided, single submitter. Criteria: ACMG Guidelines, 2015. Collection method: clinical testing. Allele origin: germline.

ARUP Laboratories, Molecular Genetics and Genomics, ARUP Laboratories
Classification: Likely benign for Catecholaminergic polymorphic ventricular tachycardia 5. Last evaluated: 2019-03-13. Review status: criteria provided, single submitter. Criteria: ARUP Molecular Germline Variant Investigation Process. Collection method: clinical testing. Allele origin: germline.

Laboratory for Molecular Medicine, Mass General Brigham Personalized Medicine
Classification: Likely benign. Last evaluated: 2016-08-10. Review status: criteria provided, single submitter. Criteria: LMM Criteria. Collection method: clinical testing. Allele origin: germline. Observed: 1 variant allele.
Comment: p.Met285Thr in exon 8C of TRDN: This variant is not expected to have clinical si gnificance because it has been identified in 0.6% (48/7506) of African chromosom es by the Exome Aggregation Consortium (ExAC; db SNP rs572614305).

Breakthrough Genomics
Classification: Likely benign. Review status: criteria provided, single submitter. Criteria: ACMG Guidelines, 2015. Collection method: not provided. Allele origin: germline. Inheritance: Autosomal recessive inheritance. Affected: yes.

Molecular Diagnostic Laboratory for Inherited Cardiovascular Disease, Montreal Heart Institute
Classification: Uncertain significance for Cardiovascular phenotype. Last evaluated: 2025-04-09. Review status: flagged submission. Criteria: ACMG Guidelines, 2015. Collection method: clinical testing. Allele origin: germline. Affected: yes. Not counted in ClinVar's aggregate classification.
ClinVar note: Reason: Outlier claim with insufficient supporting evidence